The following is an entry in ClinVar:

ClinVar aggregate classification (germline): Uncertain significance. Review status: criteria provided, multiple submitters, no conflicts (2 of 4 stars). 2 submissions from 2 submitters: Uncertain significance (2). Last evaluated 2023-02-17.

gnomAD v4.1: 1 of 1,614,250 alleles (0.000062%); highest among the groups gnomAD compares: Non-Finnish European, 0.000085%; no homozygotes.

Submissions (2):

GeneDx
Classification: Uncertain significance. Last evaluated: 2023-02-17. Review status: criteria provided, single submitter. Criteria: GeneDx Variant Classification Process June 2021. Collection method: clinical testing. Allele origin: germline. Affected: yes.
Comment: Not observed at significant frequency in large population cohorts (gnomAD); In silico analysis supports that this missense variant does not alter protein structure/function; Has not been previously published as pathogenic or benign to our knowledge

Labcorp Genetics (formerly Invitae), Labcorp
Classification: Uncertain significance. Last evaluated: 2022-11-10. Review status: criteria provided, single submitter. Criteria: Invitae Variant Classification Sherloc (09022015). Collection method: clinical testing. Allele origin: germline.
Comment: This sequence change replaces glutamic acid, which is acidic and polar, with aspartic acid, which is acidic and polar, at codon 4942 of the RNF213 protein (p.Glu4942Asp). This variant is not present in population databases (gnomAD no frequency). This variant has not been reported in the literature in individuals affected with RNF213-related conditions. Algorithms developed to predict the effect of missense changes on protein structure and function are either unavailable or do not agree on the potential impact of this missense change (SIFT: "Tolerated"; PolyPhen-2: "Possibly Damaging"; Align-GVGD: "Class C15"). In summary, the available evidence is currently insufficient to determine the role of this variant in disease. Therefore, it has been classified as a Variant of Uncertain Significance.

NM_001256071.3(RNF213):c.14826G>C (p.Glu4942Asp)

Genes: RNF213 (ring finger protein 213; plus strand), RNF213-AS1 (RNF213 antisense RNA 1; minus strand). Cytogenetic location: 17q25.3.
Variant type: single nucleotide variant.
Coding change: c.14826G>C on transcript NM_001256071.3 (MANE Select); coding-DNA position 14826, G replaced by C.
Protein change: p.Glu4942Asp; replaces glutamic acid 4942 with aspartic acid.
Molecular consequence: missense variant.
Genome position (GRCh38, 1-based): chr17:80,386,795, G>C. VCF-style: chr17-80386795-G-C. GRCh37 (hg19) VCF-style: chr17-78360595-G-C.
Other names: c.14973G>C, p.Glu4991Asp (NM_001410195.1, NM_020914.5); c.14826G>C (NM_001256071.1); short protein forms E4942D, E4991D.
Identifiers: ClinVar variation 1721339 (VCV001721339.6), dbSNP rs773954576, ClinGen allele CA401382488.